The following continues an entry in ClinVar:

NM_024006.4(VKORC1):c.-1639G>A

Gene: VKORC1. ClinVar aggregate classification (germline): drug response. drug response (6).

Literature cited by the submitters, continued: PubMed 22158446 (cited by ClinPGx); PubMed 22274142 (cited by ClinPGx); PubMed 22349464 (cited by ClinPGx); PubMed 22528326 (cited by ClinPGx); PubMed 22571356 (cited by ClinPGx); PubMed 22592842 (cited by ClinPGx); PubMed 22676192 (cited by ClinPGx); PubMed 22854539 (cited by ClinPGx); PubMed 22990331 (cited by ClinPGx); PubMed 23061746 (cited by ClinPGx); PubMed 23104259 (cited by ClinPGx); PubMed 23602689 (cited by ClinPGx); PubMed 23949431 (cited by ClinPGx); PubMed 23990957 (cited by ClinPGx); PubMed 24019055 (cited by ClinPGx); PubMed 24029542 (cited by ClinPGx); PubMed 24330000 (cited by ClinPGx); PubMed 24474498 (cited by ClinPGx); PubMed 24601977 (cited by ClinPGx); PubMed 25001883 (cited by ClinPGx); PubMed 25042728 (cited by ClinPGx); PubMed 25084205 (cited by ClinPGx); PubMed 25312789 (cited by ClinPGx); PubMed 25594941 (cited by ClinPGx); PubMed 26024874 (cited by ClinPGx); PubMed 26219158 (cited by ClinPGx); PubMed 26433837 (cited by ClinPGx); PubMed 26445138 (cited by ClinPGx); PubMed 26739746 (cited by ClinPGx); PubMed 26745506 (cited by ClinPGx); PubMed 27617219 (cited by ClinPGx); PubMed 28049362 (cited by ClinPGx); PubMed 28382498 (cited by ClinPGx); PubMed 28429387 (cited by ClinPGx); PubMed 28550460 (cited by ClinPGx); PubMed 29568565 (cited by ClinPGx); PubMed 29781049 (cited by ClinPGx); PubMed 31114289 (cited by ClinPGx); PubMed 31395958 (cited by ClinPGx); PubMed 31902949 (cited by ClinPGx); PubMed 18629445 (cited by ClinPGx); PubMed 20376629 (cited by ClinPGx); PubMed 21057703 (cited by ClinPGx); PubMed 21110013 (cited by ClinPGx); PubMed 21636598 (cited by ClinPGx); PubMed 23299853 (cited by ClinPGx); PubMed 23423913 (cited by ClinPGx); PubMed 24224579 (cited by ClinPGx); PubMed 26984978 (cited by ClinPGx); PubMed 23016521 (cited by ClinPGx); PubMed 18690342 (cited by ClinPGx); PubMed 18950464 (cited by ClinPGx); PubMed 21318593 (cited by ClinPGx); PubMed 23279643 (cited by ClinPGx); PubMed 23774101 (cited by ClinPGx); PubMed 23932037 (cited by ClinPGx); PubMed 24919870 (cited by ClinPGx); PubMed 25244877 (cited by ClinPGx); PubMed 25521356 (cited by ClinPGx); PubMed 25769357 (cited by ClinPGx); PubMed 26777610 (cited by ClinPGx); PubMed 27262824 (cited by ClinPGx); PubMed 27488176 (cited by ClinPGx); PubMed 27581200 (cited by ClinPGx); PubMed 28033245 (cited by ClinPGx); PubMed 28689179 (cited by ClinPGx); PubMed 29432897 (cited by ClinPGx); PubMed 29577257 (cited by ClinPGx); PubMed 16611310 (cited by ClinPGx); PubMed 19018719 (cited by ClinPGx); PubMed 19277427 (cited by ClinPGx); PubMed 22486182 (cited by ClinPGx); PubMed 22629463 (cited by ClinPGx); PubMed 22911785 (cited by ClinPGx); PubMed 23159639 (cited by ClinPGx); PubMed 23473641 (cited by ClinPGx); PubMed 23481074 (cited by ClinPGx); PubMed 23651023 (cited by ClinPGx); PubMed 23774941 (cited by ClinPGx); PubMed 24108193 (cited by ClinPGx); PubMed 24956252 (cited by ClinPGx); PubMed 25089947 (cited by ClinPGx); PubMed 25519826 (cited by ClinPGx); PubMed 27335128 (cited by ClinPGx); PubMed 18322281 (cited by ClinPGx); PubMed 27511999 (cited by ClinPGx); PubMed 29396738 (cited by ClinPGx); PubMed 31720756 (cited by ClinPGx); PubMed 20555338 (cited by OMIM); PubMed 18252229 (cited by OMIM); DOI DOI: 10.70119/0014-24 (cited by Department of Pharmacology - Sarajevo Medical School, University Sarajevo School of Science and Technology); PubMed 27703968 (cited by Faculty of Pharmacy, Damascus University).